The following is an entry in ClinVar:

ClinVar aggregate classification (germline): Uncertain significance (1 of 4 stars; one submission).

Allele frequency attached by ClinVar (database versions not stated): gnomAD exomes below 0.00001; TOPMed below 0.00001.
gnomAD v4.1: 3 of 1,581,072 alleles (0.00019%); highest among the groups gnomAD compares: Non-Finnish European, 0.00017%; no homozygotes.

Submission:

Women's Health and Genetics/Laboratory Corporation of America, LabCorp
Classification: Uncertain significance. Last evaluated: 2021-08-05. Review status: criteria provided, single submitter. Criteria: LabCorp Variant Classification Summary - May 2015. Collection method: clinical testing. Allele origin: germline.
Comment: Variant summary: PTS c.25C>T (p.Arg9Cys) results in a non-conservative amino acid change in the encoded protein sequence. Three of five in-silico tools predict a damaging effect of the variant on protein function. The variant was absent in 192406 control chromosomes (gnomAD). The available data on variant occurrences in the general population are insufficient to allow any conclusion about variant significance. The variant, c.25C>T, has been reported in the literature in a compound heterozygous individual affected with 6-Pyruvoyl-Tetrahydropterin Synthase Deficiency (Leuzzi_2009, Manti_2020), this individual carried a reportedly pathogenic missense variant in trans, and was reported to have PTS enzyme deficiency, measured in patient derived cells (Leuzzi_2009). At least one publication reports experimental evidence evaluating an impact on protein function, and demonstrated that this variant doesn't affect homodimerization of the PTS enzyme (Das_2014), however, these results do not allow any conclusions about the variant effect on enzyme activity. Another missense variant affecting the same residue (c.26G>A (p. Arg9His)) was reported in affected individuals (HGMD), supporting a potential functional role for this residue in protein function. No clinical diagnostic laboratories have submitted clinical-significance assessments for this variant to ClinVar after 2014. Based on the evidence outlined above, the variant was classified as VUS-possibly pathogenic.

Literature cited by the submitters: PubMed 24599843; PubMed 20059486; PubMed 32651154; PubMed 30853107.

NM_000317.3(PTS):c.25C>T (p.Arg9Cys)

Genes: PTS (6-pyruvoyltetrahydropterin synthase; plus strand), LOC130006765 (ATAC-STARR-seq lymphoblastoid silent region 3906; plus strand). Cytogenetic location: 11q23.1.
Variant type: single nucleotide variant.
Coding change: c.25C>T on transcript NM_000317.3 (MANE Select); coding-DNA position 25, C replaced by T.
Protein change: p.Arg9Cys; replaces arginine 9 with cysteine.
Molecular consequence: missense variant.
Genome position (GRCh38, 1-based): chr11:112,226,468, C>T. VCF-style: chr11-112226468-C-T. GRCh37 (hg19) VCF-style: chr11-112097191-C-T.
Other names: short protein forms R9C.
Identifiers: ClinVar variation 1217293 (VCV001217293.1), dbSNP rs1859865664, ClinGen allele CA382626380.
Genomic context (GRCh38, chr11:112,226,468, plus strand): 5'-AGGTGCCGGCCGAGCACCGCAGACAGCGCCGGGAAGATGAGCACGGAAGGTGGTGGCCGT[C>T]GCTGCCAGGCACAAGTGTCCCGCCGCATCTCCTTCAGCGCGAGCCACCGATTGTACAGGT-3'
Protein context (NP_000308.1, residues 1-19): MSTEGGGR[Arg9Cys]CQAQVSRRIS